The following is an entry in ClinVar:

ClinVar aggregate classification (germline): Likely pathogenic (1 of 4 stars; one submission).

Conditions:
Dilated cardiomyopathy 1G (CMD1G). Identifiers: Orphanet 154, MedGen C1858763, MONDO:0011400, OMIM 604145.
Autosomal recessive limb-girdle muscular dystrophy type 2J (LGMDR10). Also called: MUSCULAR DYSTROPHY, LIMB-GIRDLE, AUTOSOMAL RECESSIVE 10; Limb-girdle muscular dystrophy, type 2J. Identifiers: Orphanet 140922, MedGen C1837342, MONDO:0012127, OMIM 608807.

Submission:

Labcorp Genetics (formerly Invitae), Labcorp
Classification: Likely pathogenic for Dilated cardiomyopathy 1G; Autosomal recessive limb-girdle muscular dystrophy type 2J. Last evaluated: 2021-04-13. Review status: criteria provided, single submitter. Criteria: Invitae Variant Classification Sherloc (09022015). Collection method: clinical testing. Allele origin: germline.
Comment: This sequence change creates a premature translational stop signal (p.Ser22979*) in the TTN gene. While this is not anticipated to result in nonsense mediated decay, it is expected to create a truncated TTN protein. In summary, the currently available evidence indicates that the variant is pathogenic, but additional data are needed to prove that conclusively. Therefore, this variant has been classified as Likely Pathogenic. This variant is located in the A band of TTN (PMID: 25589632). Truncating variants in this region are significantly overrepresented in patients affected with dilated cardiomyopathy (PMID: 25589632). Truncating variants in this region have also been reported in individuals affected with autosomal recessive centronuclear myopathy (PMID: 23975875). This variant has not been reported in the literature in individuals with TTN-related conditions. This variant is not present in population databases (ExAC no frequency).

Literature cited by the submitters: PubMed 25589632; PubMed 23975875.

NM_001267550.2(TTN):c.68936C>A (p.Ser22979Ter)

Genes: TTN (titin; minus strand), TTN-AS1 (TTN antisense RNA 1; plus strand). Cytogenetic location: 2q31.2.
Variant type: single nucleotide variant.
Coding change: c.68936C>A on transcript NM_001267550.2 (MANE Select); coding-DNA position 68936, C replaced by A.
Protein change: p.Ser22979Ter; replaces serine 22979 with a stop codon.
Molecular consequence: nonsense.
Genome position (GRCh38, 1-based): chr2:178,577,399, G>T on the plus strand (C>A on the coding strand, the complement: TTN is on the minus strand). VCF-style: chr2-178577399-G-T. GRCh37 (hg19) VCF-style: chr2-179442126-G-T.
Other names: c.64013C>A, p.Ser21338Ter (NM_001256850.1); c.41741C>A, p.Ser13914Ter (NM_003319.4); c.61232C>A, p.Ser20411Ter (NM_133378.4); c.42116C>A, p.Ser14039Ter (NM_133432.3); c.42317C>A, p.Ser14106Ter (NM_133437.4); short protein forms S14039*, S22979*, S14106*, S20411*, S21338*, S13914*.
Identifiers: ClinVar variation 1506234 (VCV001506234.8), dbSNP rs2154173745, ClinGen allele CA349670828.